The following is an entry in ClinVar:

ClinVar aggregate classification (germline): Uncertain significance (1 of 4 stars; one submission).

Conditions:
Hereditary spastic paraplegia 11. Also called: SPASTIC PARAPLEGIA, AUTOSOMAL RECESSIVE, COMPLICATED, WITH THIN CORPUS CALLOSUM; SPASTIC PARAPLEGIA, AUTOSOMAL RECESSIVE, WITH MENTAL IMPAIRMENT AND THIN CORPUS CALLOSUM; Spastic paraplegia, mental retardation and thin corpus callosum; Nakamura Osame syndrome; Autosomal recessive hereditary spastic paraplegia, mental impairment, and thin corpus callosum; Spastic Paraplegia 11. Identifiers: Orphanet 2822, MedGen C1858479, MONDO:0011445, OMIM 604360.

Submission:

Labcorp Genetics (formerly Invitae), Labcorp
Classification: Uncertain significance for Hereditary spastic paraplegia 11. Last evaluated: 2022-07-22. Review status: criteria provided, single submitter. Criteria: Invitae Variant Classification Sherloc (09022015). Collection method: clinical testing. Allele origin: germline.
Comment: In summary, the available evidence is currently insufficient to determine the role of this variant in disease. Therefore, it has been classified as a Variant of Uncertain Significance. Algorithms developed to predict the effect of missense changes on protein structure and function are either unavailable or do not agree on the potential impact of this missense change (SIFT: "Tolerated"; PolyPhen-2: "Not Available"; Align-GVGD: "Class C0"). ClinVar contains an entry for this variant (Variation ID: 658600). This variant has not been reported in the literature in individuals affected with SPG11-related conditions. The frequency data for this variant in the population databases is considered unreliable, as metrics indicate poor data quality at this position in the gnomAD database. This sequence change replaces valine, which is neutral and non-polar, with isoleucine, which is neutral and non-polar, at codon 7 of the SPG11 protein (p.Val7Ile).

NM_025137.4(SPG11):c.19G>A (p.Val7Ile)

Gene: SPG11 (SPG11 vesicle trafficking associated, spatacsin; minus strand). Cytogenetic location: 15q21.1.
Variant type: single nucleotide variant.
Coding change: c.19G>A on transcript NM_025137.4 (MANE Select); coding-DNA position 19, G replaced by A.
Protein change: p.Val7Ile; replaces valine 7 with isoleucine.
Molecular consequence: missense variant.
Genome position (GRCh38, 1-based): chr15:44,663,629, C>T on the plus strand (G>A on the coding strand, the complement: SPG11 is on the minus strand). VCF-style: chr15-44663629-C-T. GRCh37 (hg19) VCF-style: chr15-44955827-C-T.
Other names: c.19G>A, p.Val7Ile (NM_001160227.2); short protein forms V7I.
Identifiers: ClinVar variation 658600 (VCV000658600.8), dbSNP rs774670657, ClinGen allele CA7535987.